The following is an entry in ClinVar:

ClinVar aggregate classification (germline): Uncertain significance (1 of 4 stars; one submission).

Conditions:
Hereditary cancer-predisposing syndrome. Also called: Hereditary Cancer Syndrome; Tumor predisposition; Hereditary neoplastic syndrome; Neoplastic Syndromes, Hereditary. Identifiers: Orphanet 140162, MedGen C0027672, MeSH D009386, MONDO:0015356.

gnomAD v4.1: 1 of 1,613,662 alleles (0.000062%); highest among the groups gnomAD compares: African/African-American, 0.0013%; no homozygotes.

Submission:

Ambry Genetics
Classification: Uncertain significance for Hereditary cancer-predisposing syndrome. Last evaluated: 2024-08-30. Review status: criteria provided, single submitter. Criteria: Ambry Variant Classification Scheme 2023. Collection method: clinical testing. Allele origin: germline.
Comment: The p.S650G variant (also known as c.1948A>G), located in coding exon 6 of the MET gene, results from an A to G substitution at nucleotide position 1948. The serine at codon 650 is replaced by glycine, an amino acid with similar properties. This amino acid position is not well conserved in available vertebrate species. In addition, this alteration is predicted to be tolerated by in silico analysis. Based on the available evidence, the clinical significance of this variant remains unclear.

NM_000245.4(MET):c.1948A>G (p.Ser650Gly)

Gene: MET (MET proto-oncogene, receptor tyrosine kinase; plus strand). Cytogenetic location: 7q31.2.
Variant type: single nucleotide variant.
Coding change: c.1948A>G on transcript NM_000245.4 (MANE Select); coding-DNA position 1948, A replaced by G.
Protein change: p.Ser650Gly; replaces serine 650 with glycine.
Molecular consequence: missense variant.
Genome position (GRCh38, 1-based): chr7:116,757,522, A>G. VCF-style: chr7-116757522-A-G. GRCh37 (hg19) VCF-style: chr7-116397576-A-G.
Other names: c.1948A>G, p.Ser650Gly (NM_001127500.3, NM_001324401.3); c.658A>G, p.Ser220Gly (NM_001324402.2); short protein forms S650G, S220G.
Identifiers: ClinVar variation 3395135 (VCV003395135.1).